The following is an entry in ClinVar:

ClinVar aggregate classification (germline): Uncertain significance. Review status: criteria provided, multiple submitters, no conflicts (2 of 4 stars). 2 submissions from 2 submitters: Uncertain significance (2). Last evaluated 2025-01-30.

Conditions:
Cardiovascular phenotype. Identifiers: MedGen CN230736.
Hereditary cancer-predisposing syndrome. Also called: Neoplastic Syndromes, Hereditary; Tumor predisposition; Hereditary neoplastic syndrome; Hereditary Cancer Syndrome. Identifiers: Orphanet 140162, MedGen C0027672, MeSH D009386, MONDO:0015356.
Neurofibromatosis, type 1 (NF1). Also called: Peripheral type neurofibromatosis; VON RECKLINGHAUSEN DISEASE; NEUROFIBROMATOSIS, TYPE I, SOMATIC; Neurofibromatosis, type I. Identifiers: Orphanet 636, MedGen C0027831, MONDO:0018975, OMIM 162200. Disease mechanism: loss of function.

Submissions (2):

Labcorp Genetics (formerly Invitae), Labcorp
Classification: Uncertain significance for Neurofibromatosis, type 1. Last evaluated: 2025-01-30. Review status: criteria provided, single submitter. Criteria: Invitae Variant Classification Sherloc (09022015). Collection method: clinical testing. Allele origin: germline.
Comment: This sequence change replaces threonine, which is neutral and polar, with asparagine, which is neutral and polar, at codon 2278 of the NF1 protein (p.Thr2278Asn). This variant is not present in population databases (gnomAD no frequency). This variant has not been reported in the literature in individuals affected with NF1-related conditions. ClinVar contains an entry for this variant (Variation ID: 1755696). Invitae Evidence Modeling of protein sequence and biophysical properties (such as structural, functional, and spatial information, amino acid conservation, physicochemical variation, residue mobility, and thermodynamic stability) has been performed for this missense variant. However, the output from this modeling did not meet the statistical confidence thresholds required to predict the impact of this variant on NF1 protein function. In summary, the available evidence is currently insufficient to determine the role of this variant in disease. Therefore, it has been classified as a Variant of Uncertain Significance.

Ambry Genetics
Classification: Uncertain significance for Cardiovascular phenotype; Hereditary cancer-predisposing syndrome. Last evaluated: 2020-02-12. Review status: criteria provided, single submitter. Criteria: Ambry Variant Classification Scheme 2023. Collection method: clinical testing. Allele origin: germline.
Comment: The p.T2278N variant (also known as c.6833C>A), located in coding exon 45 of the NF1 gene, results from a C to A substitution at nucleotide position 6833. The threonine at codon 2278 is replaced by asparagine, an amino acid with similar properties. This amino acid position is highly conserved in available vertebrate species. In addition, this alteration is predicted to be tolerated by in silico analysis. Since supporting evidence is limited at this time, the clinical significance of this alteration remains unclear.

NM_001042492.3(NF1):c.6896C>A (p.Thr2299Asn)

Gene: NF1 (neurofibromin 1; plus strand). Cytogenetic location: 17q11.2.
Variant type: single nucleotide variant.
Coding change: c.6896C>A on transcript NM_001042492.3 (MANE Select); coding-DNA position 6896, C replaced by A.
Protein change: p.Thr2299Asn; replaces threonine 2299 with asparagine.
Molecular consequence: missense variant.
Genome position (GRCh38, 1-based): chr17:31,338,780, C>A. VCF-style: chr17-31338780-C-A. GRCh37 (hg19) VCF-style: chr17-29665798-C-A.
Other names: c.6833C>A, p.Thr2278Asn (NM_000267.4); short protein forms T2278N, T2299N.
Identifiers: ClinVar variation 1755696 (VCV001755696.4), dbSNP rs2151559335, ClinGen allele CA399014403.
Genomic context (GRCh38, chr17:31,338,780, plus strand): 5'-TAAAAGGACCTGACACTTACAACAGTCAAGTTCTGATAGAAGCTACAGTAATAGCACTAA[C>A]CAAATTACAGCCACTTCTTAATAAGGTAATTACTGTATAGAAAATGAGTGCATTCATTTT-3'
Protein context (NP_001035957.1, residues 2289-2309): VLIEATVIAL[Thr2299Asn]KLQPLLNKDS